The following is an entry in ClinVar:

NM_212482.4(FN1):c.2055G>T (p.Gln685His)

Gene: FN1 (fibronectin 1; minus strand). Cytogenetic location: 2q35.
Variant type: single nucleotide variant.
Coding change: c.2055G>T on transcript NM_212482.4 (MANE Select); coding-DNA position 2055, G replaced by T.
Protein change: p.Gln685His; replaces glutamine 685 with histidine.
Molecular consequence: missense variant.
Genome position (GRCh38, 1-based): chr2:215,410,001, C>A on the plus strand (G>T on the coding strand, the complement: FN1 is on the minus strand). VCF-style: chr2-215410001-C-A. GRCh37 (hg19) VCF-style: chr2-216274724-C-A.
Other names: c.2055G>T, p.Gln685His (NM_001306129.2, NM_001306130.2, NM_001306131.2 and 13 more transcripts); short protein forms Q685H.
Identifiers: ClinVar variation 2575689 (VCV002575689.1), dbSNP rs941862241, ClinGen allele CA64868823.

ClinVar aggregate classification (germline): Uncertain significance (1 of 4 stars; one submission).

Allele frequency attached by ClinVar (database versions not stated): gnomAD exomes below 0.00001.
gnomAD v4.1: 5 of 1,614,004 alleles (0.00031%); highest among the groups gnomAD compares: Admixed American, 0.0033%; no homozygotes.

Submission:

GeneDx
Classification: Uncertain significance. Last evaluated: 2023-02-14. Review status: criteria provided, single submitter. Criteria: GeneDx Variant Classification Process June 2021. Collection method: clinical testing. Allele origin: germline. Affected: yes.
Comment: In silico analysis supports that this missense variant does not alter protein structure/function; Has not been previously published as pathogenic or benign to our knowledge